The following is an entry in ClinVar:

NM_014845.6(FIG4):c.923C>G (p.Ala308Gly)

Gene: FIG4 (FIG4 phosphoinositide 5-phosphatase; plus strand). Cytogenetic location: 6q21.
Variant type: single nucleotide variant.
Coding change: c.923C>G on transcript NM_014845.6 (MANE Select); coding-DNA position 923, C replaced by G.
Protein change: p.Ala308Gly; replaces alanine 308 with glycine.
Molecular consequence: missense variant.
Genome position (GRCh38, 1-based): chr6:109,743,156, C>G. VCF-style: chr6-109743156-C-G. GRCh37 (hg19) VCF-style: chr6-110064359-C-G.
Other names: short protein forms A308G.
Identifiers: ClinVar variation 4077322 (VCV004077322.1).
Genomic context (GRCh38, chr6:109,743,156, plus strand): 5'-ACCTTTCTTTTCAGGGTGATGTTGCAAATGAAGTGGAGACTGAACAAATACTCTGCGATG[C>G]TTCTGTGATGTCTTTCACTGCAGGAAGTTATTCTTCATATGTACAAGTTAGAGGATCTGT-3'
Protein context (NP_055660.1, residues 298-318): EVETEQILCD[Ala308Gly]SVMSFTAGSY

ClinVar aggregate classification (germline): Uncertain significance (1 of 4 stars; one submission).

gnomAD v4.1: 1 of 1,612,916 alleles (0.000062%); highest among the groups gnomAD compares: Non-Finnish European, 0.000085%; no homozygotes.

Submission:

GeneDx
Classification: Uncertain significance. Last evaluated: 2025-02-26. Review status: criteria provided, single submitter. Criteria: GeneDx Variant Classification Process June 2021. Collection method: clinical testing. Allele origin: germline. Affected: yes.
Comment: Not observed at significant frequency in large population cohorts (gnomAD); In silico analysis indicates that this missense variant does not alter protein structure/function; Has not been previously published as pathogenic or benign to our knowledge; This variant is associated with the following publications: (PMID: 24598713)